The following is an entry in ClinVar:

NM_006086.4(TUBB3):c.1287G>A (p.Thr429=)

Gene: TUBB3 (tubulin beta 3 class III; plus strand). Cytogenetic location: 16q24.3.
Variant type: single nucleotide variant.
Coding change: c.1287G>A on transcript NM_006086.4 (MANE Select); coding-DNA position 1287, G replaced by A.
Protein change: p.Thr429=; no amino-acid change (threonine 429 retained).
Molecular consequence: synonymous variant.
Genome position (GRCh38, 1-based): chr16:89,935,738, G>A. VCF-style: chr16-89935738-G-A. GRCh37 (hg19) VCF-style: chr16-90002146-G-A.
Other names: p.Thr429=; c.1071G>A, p.Thr357= (NM_001197181.2).
Identifiers: ClinVar variation 212498 (VCV000212498.17), dbSNP rs142238093, ClinGen allele CA209122.
Genomic context (GRCh38, chr16:89,935,738, plus strand): 5'-CGAGGCCGAGAGCAACATGAACGACCTGGTGTCCGAGTACCAGCAGTACCAGGACGCCAC[G>A]GCCGAGGAAGAGGGCGAGATGTACGAAGACGACGAGGAGGAGTCGGAGGCCCAGGGCCCC-3'
Protein context (NP_006077.2, residues 419-439): VSEYQQYQDA[Thr429=]AEEEGEMYED

ClinVar aggregate classification (germline): Conflicting classifications of pathogenicity. Review status: criteria provided, conflicting classifications (1 of 4 stars). 5 submissions from 5 submitters: Uncertain significance (1); Benign (1); Likely benign (3). Last evaluated 2025-08-27.

Allele frequency attached by ClinVar (database versions not stated): 1000 Genomes Project 0.00040; gnomAD 0.00043 and 0.00046; 1000 Genomes Project 30x 0.00047; TOPMed 0.00050; ESP Exome Variant Server 0.00062.
gnomAD v4.1: 353 of 1,613,934 alleles (0.022%); highest among the groups gnomAD compares: African/African-American, 0.1%; no homozygotes.

Submissions (5):

Labcorp Genetics (formerly Invitae), Labcorp
Classification: Benign. Last evaluated: 2025-08-27. Review status: criteria provided, single submitter. Criteria: Invitae Variant Classification Sherloc (09022015). Collection method: clinical testing. Allele origin: germline.

Mayo Clinic Laboratories, Mayo Clinic
Classification: Likely benign. Last evaluated: 2025-04-09. Review status: criteria provided, single submitter. Criteria: ACMG Guidelines, 2015. Collection method: clinical testing. Allele origin: germline. Observed: 1 variant allele.
Comment: BS1, BP4, BP7

Blueprint Genetics
Classification: Likely benign. Last evaluated: 2024-11-19. Review status: criteria provided, single submitter. Criteria: ACMG Guidelines, 2015. Collection method: clinical testing. Allele origin: germline.

GeneDx
Classification: Likely benign. Last evaluated: 2016-01-08. Review status: criteria provided, single submitter. Criteria: GeneDx Variant Classification (06012015). Collection method: clinical testing. Allele origin: germline. Affected: yes.
Comment: This variant is considered likely benign or benign based on one or more of the following criteria: it is a conservative change, it occurs at a poorly conserved position in the protein, it is predicted to be benign by multiple in silico algorithms, and/or has population frequency not consistent with disease.

Genetic Services Laboratory, University of Chicago
Classification: Uncertain significance. Last evaluated: 2015-07-20. Review status: criteria provided, single submitter. Criteria: ACMG Guidelines, 2015. Collection method: clinical testing. Allele origin: germline.